The following is an entry in ClinVar:

NM_001277115.2(DNAH11):c.2740del (p.Ile914fs)

Gene: DNAH11 (dynein axonemal heavy chain 11; plus strand). Cytogenetic location: 7p15.3.
Variant type: Deletion.
Coding change: c.2740del on transcript NM_001277115.2 (MANE Select); coding-DNA position 2740, one base deleted (A; older notation c.2740delA).
Protein change: p.Ile914fs; shifts the reading frame from isoleucine 914.
Molecular consequence: frameshift variant.
Genome position (GRCh38, 1-based): chr7:21,599,859, A deleted. VCF-style (leftmost placement, unchanged base first): chr7-21599858-CA-C. GRCh37 (hg19) VCF-style: chr7-21639476-CA-C.
Other names: c.2740delA, p.Ile914Leufs (NM_003777.3); short protein forms I914fs.
Identifiers: ClinVar variation 2042409 (VCV002042409.5), dbSNP rs760757416, ClinGen allele CA4179421.

ClinVar aggregate classification (germline): Pathogenic/Likely pathogenic. Review status: criteria provided, multiple submitters, no conflicts (2 of 4 stars). 2 submissions from 2 submitters: Pathogenic (1); Likely pathogenic (1). Last evaluated 2024-03-16.

Conditions:
DNAH11-related disorders.
Primary ciliary dyskinesia. Also called: Ciliary dyskinesia. Identifiers: Orphanet 244, MedGen C0008780, MONDO:0016575, HP:0012265.

Allele frequency attached by ClinVar (database versions not stated): gnomAD exomes below 0.00001; ExAC 0.00001; TOPMed 0.00001.

Submissions (2):

Labcorp Genetics (formerly Invitae), Labcorp
Classification: Pathogenic for Primary ciliary dyskinesia. Last evaluated: 2024-03-16. Review status: criteria provided, single submitter. Criteria: Invitae Variant Classification Sherloc (09022015). Collection method: clinical testing. Allele origin: germline.
Comment: This sequence change creates a premature translational stop signal (p.Ile914Leufs*10) in the DNAH11 gene. It is expected to result in an absent or disrupted protein product. Loss-of-function variants in DNAH11 are known to be pathogenic (PMID: 18022865, 20513915, 22184204). This variant is present in population databases (rs760757416, gnomAD 0.002%). This variant has not been reported in the literature in individuals affected with DNAH11-related conditions. ClinVar contains an entry for this variant (Variation ID: 2042409). For these reasons, this variant has been classified as Pathogenic.

Blueprint Genetics
Classification: Likely pathogenic for DNAH11-related disorders. Last evaluated: 2019-07-03. Review status: criteria provided, single submitter. Criteria: ACMG Guidelines, 2015. Collection method: clinical testing. Allele origin: germline. Affected: yes. Observed: 1 variant allele.

Literature cited by the submitters: PubMed 18022865 (cited by Labcorp Genetics (formerly Invitae), Labcorp); PubMed 20513915 (cited by Labcorp Genetics (formerly Invitae), Labcorp); PubMed 22184204 (cited by Labcorp Genetics (formerly Invitae), Labcorp).